The following is an entry in ClinVar:

ClinVar aggregate classification (germline): Pathogenic (1 of 4 stars; one submission).

Allele frequency attached by ClinVar (database versions not stated): gnomAD exomes below 0.00001.
gnomAD v4.1: 1 of 1,613,940 alleles (0.000062%); highest among the groups gnomAD compares: Admixed American, 0.0017%; no homozygotes.

Submission:

Labcorp Genetics (formerly Invitae), Labcorp
Classification: Pathogenic. Last evaluated: 2023-06-20. Review status: criteria provided, single submitter. Criteria: Invitae Variant Classification Sherloc (09022015). Collection method: clinical testing. Allele origin: germline.
Comment: This sequence change creates a premature translational stop signal (p.Ser565*) in the ANO6 gene. It is expected to result in an absent or disrupted protein product. Loss-of-function variants in ANO6 are known to be pathogenic (PMID: 21107324, 21511967, 27879994). This variant is present in population databases (no rsID available, gnomAD 0.003%). This variant has not been reported in the literature in individuals affected with ANO6-related conditions. For these reasons, this variant has been classified as Pathogenic.

Literature cited by the submitters: PubMed 21107324; PubMed 21511967; PubMed 27879994.

NM_001025356.3(ANO6):c.1694C>A (p.Ser565Ter)

Gene: ANO6 (anoctamin 6; plus strand). Cytogenetic location: 12q12.
Variant type: single nucleotide variant.
Coding change: c.1694C>A on transcript NM_001025356.3 (MANE Select); coding-DNA position 1694, C replaced by A.
Protein change: p.Ser565Ter; replaces serine 565 with a stop codon.
Molecular consequence: nonsense.
Genome position (GRCh38, 1-based): chr12:45,403,153, C>A. VCF-style: chr12-45403153-C-A. GRCh37 (hg19) VCF-style: chr12-45796936-C-A.
Other names: c.1640C>A, p.Ser547Ter (NM_001142678.2); c.1694C>A, p.Ser565Ter (NM_001142679.2); c.1757C>A, p.Ser586Ter (NM_001204803.2); c.1661C>A, p.Ser554Ter (NM_001410973.1); short protein forms S554*, S547*, S565*, S586*.
Identifiers: ClinVar variation 2867447 (VCV002867447.3), dbSNP rs1171990069, ClinGen allele CA384460431.